The following is an entry in ClinVar:

ClinVar aggregate classification (germline): Uncertain significance (1 of 4 stars; one submission).

Conditions:
PLXNA1-related disorder. Also called: PLXNA1-related condition.

gnomAD v4.1: 62 of 1,613,304 alleles (0.0038%); highest among the groups gnomAD compares: Non-Finnish European, 0.0048%; no homozygotes.

Submission:

PreventionGenetics, part of Exact Sciences
Classification: Uncertain significance for PLXNA1-related condition. Last evaluated: 2026-01-21. Review status: criteria provided, single submitter. Criteria: ACMG Guidelines, 2015. Collection method: clinical testing. Allele origin: germline.
Comment: The PLXNA1 c.4369G>A variant is predicted to result in the amino acid substitution p.Ala1457Thr. To our knowledge, this variant has not been reported in the literature. This variant is reported in 0.0040% of alleles in individuals of African descent in gnomAD. At this time, the clinical significance of this variant is uncertain due to the absence of conclusive functional and genetic evidence.

NM_032242.4(PLXNA1):c.4369G>A (p.Ala1457Thr)

Gene: PLXNA1 (plexin A1; plus strand). Cytogenetic location: 3q21.3.
Variant type: single nucleotide variant.
Coding change: c.4369G>A on transcript NM_032242.4 (MANE Select); coding-DNA position 4369, G replaced by A.
Protein change: p.Ala1457Thr; replaces alanine 1457 with threonine.
Molecular consequence: missense variant.
Genome position (GRCh38, 1-based): chr3:127,027,946, G>A. VCF-style: chr3-127027946-G-A. GRCh37 (hg19) VCF-style: chr3-126746789-G-A.
Other names: short protein forms A1457T.
Identifiers: ClinVar variation 4986731 (VCV004986731.1).